The following is an entry in ClinVar:

NM_002474.3(MYH11):c.1510A>G (p.Ile504Val)

Gene: MYH11 (myosin heavy chain 11; minus strand). Cytogenetic location: 16p13.11.
Variant type: single nucleotide variant.
Coding change: c.1510A>G on transcript NM_002474.3 (MANE Select); coding-DNA position 1510, A replaced by G.
Protein change: p.Ile504Val; replaces isoleucine 504 with valine.
Molecular consequence: missense variant.
Genome position (GRCh38, 1-based): chr16:15,757,892, T>C on the plus strand (A>G on the coding strand, the complement: MYH11 is on the minus strand). VCF-style: chr16-15757892-T-C. GRCh37 (hg19) VCF-style: chr16-15851749-T-C.
Other names: c.1531A>G, p.Ile511Val (NM_001040113.2, NM_001040114.2); c.1510A>G, p.Ile504Val (NM_022844.3); short protein forms I511V, I504V.
Identifiers: ClinVar variation 3655559 (VCV003655559.2).

ClinVar aggregate classification (germline): Uncertain significance (1 of 4 stars; one submission).

Conditions:
Aortic aneurysm, familial thoracic 4 (AAT4). Also called: AORTIC ANEURYSM/AORTIC DISSECTION AND PATENT DUCTUS ARTERIOSUS. Identifiers: MedGen C1851504, MONDO:0007568, OMIM 132900.

Submission:

Labcorp Genetics (formerly Invitae), Labcorp
Classification: Uncertain significance for Aortic aneurysm, familial thoracic 4. Last evaluated: 2024-06-04. Review status: criteria provided, single submitter. Criteria: Invitae Variant Classification Sherloc (09022015). Collection method: clinical testing. Allele origin: germline.
Comment: This sequence change replaces isoleucine, which is neutral and non-polar, with valine, which is neutral and non-polar, at codon 511 of the MYH11 protein (p.Ile511Val). This variant is not present in population databases (gnomAD no frequency). This variant has not been reported in the literature in individuals affected with MYH11-related conditions. Advanced modeling of protein sequence and biophysical properties (such as structural, functional, and spatial information, amino acid conservation, physicochemical variation, residue mobility, and thermodynamic stability) performed at Invitae indicates that this missense variant is not expected to disrupt MYH11 protein function with a negative predictive value of 80%. In summary, the available evidence is currently insufficient to determine the role of this variant in disease. Therefore, it has been classified as a Variant of Uncertain Significance.